The following is an entry in ClinVar:

NM_004656.4(BAP1):c.1575C>G (p.Ser525=)

Gene: BAP1 (BRCA1 associated deubiquitinase 1; minus strand). Cytogenetic location: 3p21.1.
Variant type: single nucleotide variant.
Coding change: c.1575C>G on transcript NM_004656.4 (MANE Select); coding-DNA position 1575, C replaced by G.
Protein change: p.Ser525=; no amino-acid change (serine 525 retained).
Molecular consequence: synonymous variant.
Genome position (GRCh38, 1-based): chr3:52,403,570, G>C on the plus strand (C>G on the coding strand, the complement: BAP1 is on the minus strand). VCF-style: chr3-52403570-G-C. GRCh37 (hg19) VCF-style: chr3-52437586-G-C.
Other names: c.1575C>G (NM_004656.3).
Identifiers: ClinVar variation 1080256 (VCV001080256.9), dbSNP rs2153226660, ClinGen allele CA433886146.

ClinVar aggregate classification (germline): Benign/Likely benign. Review status: criteria provided, multiple submitters, no conflicts (2 of 4 stars). 3 submissions from 3 submitters: Benign (1); Likely benign (2). Last evaluated 2026-01-09.

Conditions:
BAP1-related tumor predisposition syndrome (TPDS1). Also called: COMMON Syndrome; TUMOR PREDISPOSITION SYNDROME 1; Tumor susceptibility linked to germline BAP1 mutations; BAP1 tumor predisposition syndrome. Identifiers: Orphanet 289539, MedGen C3280492, MONDO:0013692, OMIM 614327.
BAP1-related disorder. Also called: BAP1-related condition.

Submissions (3):

PreventionGenetics, part of Exact Sciences
Classification: Likely benign for BAP1-related condition. Last evaluated: 2026-01-09. Review status: criteria provided, single submitter. Criteria: ACMG Guidelines, 2015. Collection method: clinical testing. Allele origin: germline.
Comment: This variant is classified as likely benign based on ACMG/AMP sequence variant interpretation guidelines (Richards et al. 2015 PMID: 25741868, with internal and published modifications).

Myriad Genetics, Inc.
Classification: Benign for BAP1-related tumor predisposition syndrome. Last evaluated: 2024-07-16. Review status: criteria provided, single submitter. Criteria: Myriad Autosomal Dominant, Autosomal Recessive and X-Linked Classification Criteria (2023). Collection method: clinical testing. Allele origin: unknown.
Comment: This variant is considered benign. This variant is a silent/synonymous amino acid change and it is not expected to impact splicing.

Labcorp Genetics (formerly Invitae), Labcorp
Classification: Likely benign for BAP1-related tumor predisposition syndrome. Last evaluated: 2019-10-19. Review status: criteria provided, single submitter. Criteria: Invitae Variant Classification Sherloc (09022015). Collection method: clinical testing. Allele origin: germline.